The following is an entry in ClinVar:

ClinVar aggregate classification (germline): Uncertain significance (1 of 4 stars; one submission).

Conditions:
Hereditary cancer-predisposing syndrome. Also called: Hereditary Cancer Syndrome; Hereditary neoplastic syndrome; Tumor predisposition; Neoplastic Syndromes, Hereditary. Identifiers: Orphanet 140162, MedGen C0027672, MeSH D009386, MONDO:0015356.

Submission:

Ambry Genetics
Classification: Uncertain significance for Hereditary cancer-predisposing syndrome. Last evaluated: 2021-10-12. Review status: criteria provided, single submitter. Criteria: Ambry Variant Classification Scheme 2023. Collection method: clinical testing. Allele origin: germline.
Comment: The p.Q835R variant (also known as c.2504A>G), located in coding exon 4 of the MSH6 gene, results from an A to G substitution at nucleotide position 2504. The glutamine at codon 835 is replaced by arginine, an amino acid with highly similar properties. This amino acid position is well conserved in available vertebrate species. In addition, the in silico prediction for this alteration is inconclusive. Since supporting evidence is limited at this time, the clinical significance of this alteration remains unclear.

NM_000179.3(MSH6):c.2504A>G (p.Gln835Arg)

Gene: MSH6 (mutS homolog 6; plus strand). Cytogenetic location: 2p16.3.
Variant type: single nucleotide variant.
Coding change: c.2504A>G on transcript NM_000179.3 (MANE Select); coding-DNA position 2504, A replaced by G.
Protein change: p.Gln835Arg; replaces glutamine 835 with arginine.
Molecular consequence: missense variant.
Genome position (GRCh38, 1-based): chr2:47,800,487, A>G. VCF-style: chr2-47800487-A-G. GRCh37 (hg19) VCF-style: chr2-48027626-A-G.
Other names: c.2114A>G, p.Gln705Arg (NM_001281492.2); c.1598A>G, p.Gln533Arg (NM_001281493.2, NM_001281494.2, NM_001406811.1 and 6 more transcripts); c.2600A>G, p.Gln867Arg (NM_001406795.1, NM_001406802.1); c.2504A>G, p.Gln835Arg (NM_001406796.1, NM_001406798.1, NM_001406800.1 and 2 more transcripts); c.2207A>G, p.Gln736Arg (NM_001406797.1, NM_001406801.1, NM_001406805.1 and 10 more transcripts); c.1979A>G, p.Gln660Arg (NM_001406799.1, NM_001406806.1, NM_001406807.1); c.2426A>G, p.Gln809Arg (NM_001406804.1); c.2510A>G, p.Gln837Arg (NM_001406813.1); and 1 more; short protein forms Q809R, Q835R, Q867R, Q533R, Q705R, Q736R, Q837R, Q660R.
Identifiers: ClinVar variation 1792288 (VCV001792288.2), dbSNP rs2530676526, ClinGen allele CA346754263.
Genomic context (GRCh38, chr2:47,800,487, plus strand): 5'-TTCCAGATCTTGAGAGGCTACTCAGTAAAATTCATAATGTTGGGTCTCCCCTGAAGAGTC[A>G]GAACCACCCAGACAGCAGGGCTATAATGTATGAAGAAACTACATACAGCAAGAAGAAGAT-3'
Protein context (NP_000170.1, residues 825-845): IHNVGSPLKS[Gln835Arg]NHPDSRAIMY